The following is an entry in ClinVar:

ClinVar aggregate classification (germline): Pathogenic. Review status: reviewed by expert panel (3 of 4 stars). 3 submissions from 3 submitters: Pathogenic (1). 2 of the submissions do not count toward it. Last evaluated 2017-12-15.

Conditions:
Hereditary cancer-predisposing syndrome. Also called: Neoplastic Syndromes, Hereditary; Hereditary neoplastic syndrome; Tumor predisposition; Hereditary Cancer Syndrome. Identifiers: Orphanet 140162, MedGen C0027672, MeSH D009386, MONDO:0015356.
Hereditary breast ovarian cancer syndrome. Also called: Hereditary breast and ovarian cancer; Hereditary breast and/or ovarian cancer syndrome; Hereditary breast and ovarian cancer syndrome (HBOC); Breast and ovarian cancer; BRCA1- and BRCA2-Associated Hereditary Breast and Ovarian Cancer; Hereditary breast and ovarian cancer syndrome. Identifiers: Orphanet 145, MedGen C0677776, MeSH D061325, MONDO:0003582. Disease mechanism: loss of function.
Breast-ovarian cancer, familial, susceptibility to, 2 (BROVCA2). Also called: BRCA2 Hereditary Breast and Ovarian Cancer. Identifiers: Orphanet 145, MedGen C2675520, MONDO:0012933, OMIM 612555. Disease mechanism: loss of function.

Submissions (3):

Evidence-based Network for the Interpretation of Germline Mutant Alleles (ENIGMA)
Classification: Pathogenic for Breast-ovarian cancer, familial, susceptibility to, 2. Last evaluated: 2017-12-15. Review status: reviewed by expert panel. Criteria: ENIGMA BRCA1/2 Classification Criteria (2017-06-29). Collection method: curation. Allele origin: germline. Study: ENIGMA.
Comment: Variant allele predicted to encode a truncated non-functional protein.

Ambry Genetics
Classification: Pathogenic for Hereditary cancer-predisposing syndrome. Last evaluated: 2025-04-28. Review status: criteria provided, single submitter. Criteria: Ambry Variant Classification Scheme 2023. Collection method: clinical testing. Allele origin: germline. Not counted in ClinVar's aggregate classification.
Comment: The c.5352dupC pathogenic mutation, located in coding exon 10 of the BRCA2 gene, results from a duplication of C at nucleotide position 5352, causing a translational frameshift with a predicted alternate stop codon (p.T1785Hfs*2). This variant is considered to be rare based on population cohorts in the Genome Aggregation Database (gnomAD). This alteration is expected to result in loss of function by premature protein truncation or nonsense-mediated mRNA decay. As such, this alteration is interpreted as a disease-causing mutation.

Laboratory for Molecular Medicine, Mass General Brigham Personalized Medicine
Classification: Pathogenic for Hereditary breast ovarian cancer syndrome. Last evaluated: 2017-07-20. Review status: criteria provided, single submitter. Criteria: LMM Criteria. Collection method: clinical testing. Allele origin: germline. Inheritance: Autosomal dominant inheritance. Observed: 2 variant alleles. Not counted in ClinVar's aggregate classification.
Comment: The p.Thr1785fs variant in BRCA2 has not been previously reported in individuals with BRCA2-associated cancers or in large population studies, though the abilit y of these studies to accurately detect indels may be limited. This variant is p redicted to cause a frameshift, which alters the protein?s amino acid sequence b eginning at position 1785 and leads to a premature termination codon 2 amino aci ds downstream. This alteration is then predicted to lead to a truncated or absen t protein. Heterozygous loss of function of the BRCA2 gene is an established dis ease mechanism in hereditary breast and ovarian cancer (HBOC). In summary, this variant meets criteria to be classified as pathogenic for HBOC in an autosomal d ominant manner based on the predicted impact to the protein and absence in contr ols.

NM_000059.4(BRCA2):c.5352dup (p.Thr1785fs)

Gene: BRCA2 (BRCA2 DNA repair associated; plus strand). Cytogenetic location: 13q13.1.
Variant type: Duplication.
Coding change: c.5352dup on transcript NM_000059.4 (MANE Select); coding-DNA position 5352, one base duplicated (C; older notation c.5352dupC).
Protein change: p.Thr1785fs; shifts the reading frame from threonine 1785.
Molecular consequence: frameshift variant.
Genome position (GRCh38, 1-based): chr13:32,339,707, C duplicated. VCF-style (leftmost placement, unchanged base first): chr13-32339706-A-AC. GRCh37 (hg19) VCF-style: chr13-32913843-A-AC.
Other names: p.Thr1785HisfsX2; c.5352dupC (NM_000059.3); short protein forms T1785fs.
Identifiers: ClinVar variation 548420 (VCV000548420.9), dbSNP rs1555284188, ClinGen allele CA645509351.
Genomic context (GRCh38, chr13:32,339,706, plus strand): 5'-CAAAAAATAAACTTGATTCTGGTATTGAGCCAGTATTGAAGAATGTTGAAGATCAAAAAA[A>AC]CACTAGTTTTTCCAAAGTAATATCCAATGTAAAAGATGCAAATGCATACCCACAAACTGT-3'